The following is an entry in ClinVar:

NM_001079802.2(FKTN):c.647+3A>G

Gene: FKTN (fukutin; plus strand). Cytogenetic location: 9q31.2.
Variant type: single nucleotide variant.
Coding change: c.647+3A>G on transcript NM_001079802.2 (MANE Select); 3 bases into the intron after coding-DNA position 647, A replaced by G.
Molecular consequence: intron variant.
Genome position (GRCh38, 1-based): chr9:105,604,495, A>G. VCF-style: chr9-105604495-A-G. GRCh37 (hg19) VCF-style: chr9-108366776-A-G.
Other names: c.647+3A>G (NM_006731.2, NM_001351496.2, NM_001198963.2 and 1 more transcripts); c.251+3A>G (NM_001351502.2, NM_001351499.2, NM_001351500.2 and 1 more transcripts); c.578+3A>G (NM_001351497.2).
Identifiers: ClinVar variation 1372572 (VCV001372572.6), dbSNP rs1828504981, ClinGen allele CA2573143714.
Genomic context (GRCh38, chr9:105,604,495, plus strand): 5'-GGAAATTTGTTCCCTTCCGAAAGTTACAGTTTGGTCGTTATCCAGGAGCTTTTGACAGGT[A>G]AGTTCAGAGTCAAAACGTGAAATGTGAAATGAGTGTTGTTCAGTCATAATTCTTGCAGTG-3'

ClinVar aggregate classification (germline): Uncertain significance (1 of 4 stars; one submission).

Conditions:
Walker-Warburg congenital muscular dystrophy. Also called: Muscular dystrophy-dystroglycanopathy, type A; Walker-Warburg syndrome. Identifiers: Orphanet 899, MedGen C0265221, MONDO:0000171.

Allele frequency attached by ClinVar (database versions not stated): gnomAD exomes below 0.00001.
gnomAD v4.1: 1 of 1,613,210 alleles (0.000062%); highest among the groups gnomAD compares: South Asian, 0.0011%; no homozygotes.

Submission:

Labcorp Genetics (formerly Invitae), Labcorp
Classification: Uncertain significance for Walker-Warburg congenital muscular dystrophy. Last evaluated: 2022-09-13. Review status: criteria provided, single submitter. Criteria: Invitae Variant Classification Sherloc (09022015). Collection method: clinical testing. Allele origin: germline.
Comment: This variant has not been reported in the literature in individuals affected with FKTN-related conditions. In summary, the available evidence is currently insufficient to determine the role of this variant in disease. Therefore, it has been classified as a Variant of Uncertain Significance. Variants that disrupt the consensus splice site are a relatively common cause of aberrant splicing (PMID: 17576681, 9536098). Algorithms developed to predict the effect of sequence changes on RNA splicing suggest that this variant is not likely to affect RNA splicing. ClinVar contains an entry for this variant (Variation ID: 1372572). This variant is not present in population databases (gnomAD no frequency). This sequence change falls in intron 6 of the FKTN gene. It does not directly change the encoded amino acid sequence of the FKTN protein. It affects a nucleotide within the consensus splice site.

Literature cited by the submitters: PubMed 17576681; PubMed 9536098.